The following is an entry in ClinVar:

NM_014268.4(MAPRE2):c.656C>G (p.Ser219Cys)

Gene: MAPRE2 (microtubule associated protein RP/EB family member 2; plus strand). Cytogenetic location: 18q12.2.
Variant type: single nucleotide variant.
Coding change: c.656C>G on transcript NM_014268.4 (MANE Select); coding-DNA position 656, C replaced by G.
Protein change: p.Ser219Cys; replaces serine 219 with cysteine.
Molecular consequence: missense variant. On other transcripts: non-coding transcript variant (1).
Genome position (GRCh38, 1-based): chr18:35,126,993, C>G. VCF-style: chr18-35126993-C-G. GRCh37 (hg19) VCF-style: chr18-32706957-C-G.
Other names: c.527C>G, p.Ser176Cys (NM_001143826.3); c.620C>G, p.Ser207Cys (NM_001143827.3); c.497C>G, p.Ser166Cys (NM_001256420.2); short protein forms S166C, S176C, S207C, S219C.
Identifiers: ClinVar variation 3345629 (VCV003345629.3).

ClinVar aggregate classification (germline): Uncertain significance. Review status: criteria provided, single submitter (1 of 4 stars). 2 submissions from 2 submitters: Uncertain significance (1). 1 of the submissions does not count toward it. Last evaluated 2026-05-01.

Conditions:
MAPRE2-related disorder. Also called: MAPRE2-related condition.

gnomAD v4.1: 3 of 1,614,056 alleles (0.00019%); highest among the groups gnomAD compares: Non-Finnish European, 0.00025%; no homozygotes.

Submissions (2):

CeGaT Center for Human Genetics Tuebingen
Classification: Uncertain significance. Last evaluated: 2026-05-01. Review status: criteria provided, single submitter. Criteria: CeGaT Center For Human Genetics Tuebingen Variant Classification Criteria Version 2. Collection method: clinical testing. Allele origin: germline. Affected: yes. Observed: 1 variant allele.
Comment: MAPRE2: PM2

PreventionGenetics, part of Exact Sciences
Classification: Uncertain significance for MAPRE2-related condition. Last evaluated: 2024-08-05. Review status: no assertion criteria provided. Collection method: clinical testing. Allele origin: germline. Not counted in ClinVar's aggregate classification.
Comment: The MAPRE2 c.656C>G variant is predicted to result in the amino acid substitution p.Ser219Cys. To our knowledge, this variant has not been reported in the literature. This variant is reported in 0.00088% of alleles in individuals of European (Non-Finnish) descent in gnomAD. At this time, the clinical significance of this variant is uncertain due to the absence of conclusive functional and genetic evidence.